The following is an entry in ClinVar:

NM_000257.4(MYH7):c.3175del (p.Asp1058_Leu1059insTer)

Gene: MYH7 (myosin heavy chain 7; minus strand). Cytogenetic location: 14q11.2.
Variant type: Deletion.
Coding change: c.3175del on transcript NM_000257.4 (MANE Select); coding-DNA position 3175, one base deleted (C; older notation c.3175delC).
Protein change: p.Asp1058_Leu1059insTer.
Molecular consequence: nonsense. On other transcripts: frameshift variant (1).
Genome position (GRCh38, 1-based): chr14:23,422,250, G deleted on the plus strand (C on the coding strand, the reverse complement: MYH7 is on the minus strand); the first of 2 consecutive G bases (chr14:23,422,250-23,422,251); deleting either gives the same sequence. VCF-style (leftmost placement, unchanged base first): chr14-23422249-AG-A. GRCh37 (hg19) VCF-style: chr14-23891458-AG-A.
Other names: c.3174delC, p.Leu1059Terfs (NM_001407004.1); c.3175delC (NM_000257.4).
Identifiers: ClinVar variation 1728482 (VCV001728482.2), dbSNP rs2502272491, ClinGen allele CA2580088205.

ClinVar aggregate classification (germline): Uncertain significance (1 of 4 stars; one submission).

Conditions:
Cardiovascular phenotype. Identifiers: MedGen CN230736.

Submission:

Ambry Genetics
Classification: Uncertain significance for Cardiovascular phenotype. Last evaluated: 2021-08-16. Review status: criteria provided, single submitter. Criteria: Ambry Variant Classification Scheme 2023. Collection method: clinical testing. Allele origin: germline.
Comment: The c.3175delC variant, located in coding exon 23 of the MYH7 gene, results from a deletion of one nucleotide at nucleotide position 3175, causing a translational frameshift with a predicted alternate stop codon (p.L1059*). This alteration is expected to result in premature protein truncation or nonsense-mediated mRNA decay. However, loss of function of MYH7 has not been clearly established as a mechanism of disease. Since supporting evidence is limited at this time, the clinical significance of this alteration remains unclear.